The following is an entry in ClinVar:

NM_017780.4(CHD7):c.4210G>A (p.Gly1404Arg)

Gene: CHD7 (chromodomain helicase DNA binding protein 7; plus strand). Cytogenetic location: 8q12.2.
Variant type: single nucleotide variant.
Coding change: c.4210G>A on transcript NM_017780.4 (MANE Select); coding-DNA position 4210, G replaced by A.
Protein change: p.Gly1404Arg; replaces glycine 1404 with arginine.
Molecular consequence: missense variant. On other transcripts: intron variant (1).
Genome position (GRCh38, 1-based): chr8:60,837,692, G>A. VCF-style: chr8-60837692-G-A. GRCh37 (hg19) VCF-style: chr8-61750251-G-A.
Other names: c.1717-24537G>A (NM_001316690.1); short protein forms G1404R.
Identifiers: ClinVar variation 3897207 (VCV003897207.1).

ClinVar aggregate classification (germline): Uncertain significance (1 of 4 stars; one submission).

Submission:

GeneDx
Classification: Uncertain significance. Last evaluated: 2024-11-04. Review status: criteria provided, single submitter. Criteria: GeneDx Variant Classification Process June 2021. Collection method: clinical testing. Allele origin: germline. Affected: yes.
Comment: Not observed at significant frequency in large population cohorts (gnomAD); In silico analysis supports that this missense variant has a deleterious effect on protein structure/function; Has not been previously published as pathogenic or benign to our knowledge